The following is an entry in ClinVar:

NM_017433.5(MYO3A):c.4327C>A (p.Gln1443Lys)

Gene: MYO3A (myosin IIIA; plus strand). Cytogenetic location: 10p12.1.
Variant type: single nucleotide variant.
Coding change: c.4327C>A on transcript NM_017433.5 (MANE Select); coding-DNA position 4327, C replaced by A.
Protein change: p.Gln1443Lys; replaces glutamine 1443 with lysine.
Molecular consequence: missense variant.
Genome position (GRCh38, 1-based): chr10:26,176,734, C>A. VCF-style: chr10-26176734-C-A. GRCh37 (hg19) VCF-style: chr10-26465663-C-A.
Other names: short protein forms Q1443K.
Identifiers: ClinVar variation 3718453 (VCV003718453.2).

ClinVar aggregate classification (germline): Uncertain significance (1 of 4 stars; one submission).

gnomAD v4.1: 5 of 1,610,694 alleles (0.00031%); highest among the groups gnomAD compares: Admixed American, 0.0083%; no homozygotes.

Submission:

Labcorp Genetics (formerly Invitae), Labcorp
Classification: Uncertain significance. Last evaluated: 2024-06-25. Review status: criteria provided, single submitter. Criteria: Invitae Variant Classification Sherloc (09022015). Collection method: clinical testing. Allele origin: germline.
Comment: This sequence change replaces glutamine, which is neutral and polar, with lysine, which is basic and polar, at codon 1443 of the MYO3A protein (p.Gln1443Lys). This variant is present in population databases (rs770343132, gnomAD 0.009%). This variant has not been reported in the literature in individuals affected with MYO3A-related conditions. An algorithm developed to predict the effect of missense changes on protein structure and function (PolyPhen-2) suggests that this variant is likely to be disruptive. In summary, the available evidence is currently insufficient to determine the role of this variant in disease. Therefore, it has been classified as a Variant of Uncertain Significance.